The following is an entry in ClinVar:

ClinVar aggregate classification (germline): Conflicting classifications of pathogenicity. Review status: criteria provided, conflicting classifications (1 of 4 stars). 3 submissions from 3 submitters: Uncertain significance (2); Likely benign (1). Last evaluated 2025-09-10.

Conditions:
Catecholaminergic polymorphic ventricular tachycardia 1. Also called: VENTRICULAR TACHYCARDIA, CATECHOLAMINERGIC POLYMORPHIC, 1, WITH OR WITHOUT ATRIAL DYSFUNCTION AND/OR DILATED CARDIOMYOPATHY; VENTRICULAR TACHYCARDIA, STRESS-INDUCED POLYMORPHIC 1; RYR2-Related Catecholaminergic Polymorphic Ventricular Tachycardia. Identifiers: Orphanet 3286, MedGen C1631597, MONDO:0011484, OMIM 604772.
Cardiovascular phenotype. Identifiers: MedGen CN230736.

Allele frequency attached by ClinVar (database versions not stated): ExAC 0.00007; gnomAD exomes 0.00007; gnomAD 0.00023 and 0.00026; TOPMed 0.00026; ESP Exome Variant Server 0.00033.
gnomAD v4.1: 73 of 1,611,042 alleles (0.0045%); highest among the groups gnomAD compares: African/African-American, 0.086%; no homozygotes.

Submissions (3):

GeneDx
Classification: Uncertain significance. Last evaluated: 2025-09-10. Review status: criteria provided, single submitter. Criteria: GeneDx Variant Classification Process June 2021. Collection method: clinical testing. Allele origin: germline. Affected: yes.
Comment: Has not been previously published as pathogenic or benign to our knowledge; In silico analysis supports that this missense variant has a deleterious effect on protein structure/function

Ambry Genetics
Classification: Likely benign for Cardiovascular phenotype. Last evaluated: 2025-08-25. Review status: criteria provided, single submitter. Criteria: Ambry Variant Classification Scheme 2023. Collection method: clinical testing. Allele origin: germline.

Labcorp Genetics (formerly Invitae), Labcorp
Classification: Uncertain significance for Catecholaminergic polymorphic ventricular tachycardia 1. Last evaluated: 2022-11-01. Review status: criteria provided, single submitter. Criteria: Invitae Variant Classification Sherloc (09022015). Collection method: clinical testing. Allele origin: germline.
Comment: This sequence change replaces glutamine, which is neutral and polar, with histidine, which is basic and polar, at codon 729 of the TRDN protein (p.Gln729His). This variant is present in population databases (rs373439044, gnomAD 0.1%). This variant has not been reported in the literature in individuals affected with TRDN-related conditions. ClinVar contains an entry for this variant (Variation ID: 839610). Algorithms developed to predict the effect of missense changes on protein structure and function output the following: SIFT: "Deleterious"; PolyPhen-2: "Benign"; Align-GVGD: "Class C0". The histidine amino acid residue is found in multiple mammalian species, which suggests that this missense change does not adversely affect protein function. In summary, the available evidence is currently insufficient to determine the role of this variant in disease. Therefore, it has been classified as a Variant of Uncertain Significance.

Literature cited by the submitters: PubMed 39900885 (cited by Ambry Genetics).

NM_006073.4(TRDN):c.2187G>T (p.Gln729His)

Gene: TRDN (triadin; minus strand). Cytogenetic location: 6q22.31.
Variant type: single nucleotide variant.
Coding change: c.2187G>T on transcript NM_006073.4 (MANE Select); coding-DNA position 2187, G replaced by T.
Protein change: p.Gln729His; replaces glutamine 729 with histidine.
Molecular consequence: missense variant.
Genome position (GRCh38, 1-based): chr6:123,218,604, C>A on the plus strand (G>T on the coding strand, the complement: TRDN is on the minus strand). VCF-style: chr6-123218604-C-A. GRCh37 (hg19) VCF-style: chr6-123539749-C-A.
Other names: short protein forms Q729H.
Identifiers: ClinVar variation 839610 (VCV000839610.12), dbSNP rs373439044, ClinGen allele CA3983577.